The following is an entry in ClinVar:

ClinVar aggregate classification (germline): Uncertain significance (1 of 4 stars; one submission).

Submission:

Labcorp Genetics (formerly Invitae), Labcorp
Classification: Uncertain significance. Last evaluated: 2025-01-07. Review status: criteria provided, single submitter. Criteria: Invitae Variant Classification Sherloc (09022015). Collection method: clinical testing. Allele origin: germline.
Comment: This sequence change replaces serine, which is neutral and polar, with arginine, which is basic and polar, at codon 364 of the COL7A1 protein (p.Ser364Arg). The frequency data for this variant in the population databases is considered unreliable, as metrics indicate poor data quality at this position in the gnomAD database. This variant has not been reported in the literature in individuals affected with COL7A1-related conditions. Invitae Evidence Modeling of protein sequence and biophysical properties (such as structural, functional, and spatial information, amino acid conservation, physicochemical variation, residue mobility, and thermodynamic stability) indicates that this missense variant is not expected to disrupt COL7A1 protein function with a negative predictive value of 95%. In summary, the available evidence is currently insufficient to determine the role of this variant in disease. Therefore, it has been classified as a Variant of Uncertain Significance.

NM_000094.4(COL7A1):c.1090A>C (p.Ser364Arg)

Gene: COL7A1 (collagen type VII alpha 1 chain; minus strand). Cytogenetic location: 3p21.31.
Variant type: single nucleotide variant.
Coding change: c.1090A>C on transcript NM_000094.4 (MANE Select); coding-DNA position 1090, A replaced by C.
Protein change: p.Ser364Arg; replaces serine 364 with arginine.
Molecular consequence: missense variant.
Genome position (GRCh38, 1-based): chr3:48,592,354, T>G on the plus strand (A>C on the coding strand, the complement: COL7A1 is on the minus strand). VCF-style: chr3-48592354-T-G. GRCh37 (hg19) VCF-style: chr3-48629787-T-G.
Other names: short protein forms S364R.
Identifiers: ClinVar variation 3730702 (VCV003730702.2).